The following is an entry in ClinVar:

NM_003477.3(PDHX):c.1333T>G (p.Phe445Val)

Gene: PDHX (pyruvate dehydrogenase complex component X; plus strand). Cytogenetic location: 11p13.
Variant type: single nucleotide variant.
Coding change: c.1333T>G on transcript NM_003477.3 (MANE Select); coding-DNA position 1333, T replaced by G.
Protein change: p.Phe445Val; replaces phenylalanine 445 with valine.
Molecular consequence: missense variant.
Genome position (GRCh38, 1-based): chr11:34,994,999, T>G. VCF-style: chr11-34994999-T-G. GRCh37 (hg19) VCF-style: chr11-35016546-T-G.
Other names: c.1153T>G, p.Phe385Val (NM_001135024.2); c.652T>G, p.Phe218Val (NM_001166158.2); short protein forms F445V, F218V, F385V.
Identifiers: ClinVar variation 214959 (VCV000214959.45), dbSNP rs147948716, ClinGen allele CA321784.

ClinVar aggregate classification (germline): Benign/Likely benign. Review status: criteria provided, multiple submitters, no conflicts (2 of 4 stars). 6 submissions from 6 submitters: Benign (1); Likely benign (4). 1 of the submissions does not count toward it. Last evaluated 2026-02-01.

Conditions:
Pyruvate dehydrogenase E3-binding protein deficiency (PDHXD). Also called: Lacticacidemia due to PDX1 deficiency; LACTIC ACIDEMIA DUE TO DEFECT IN LIPOYL-CONTAINING COMPONENT X OF THE PYRUVATE DEHYDROGENASE COMPLEX; E3-Binding Protein (Component X) Deficiency; PYRUVATE HYDROGENASE E3-BINDING PROTEIN DEFICIENCY. Identifiers: Orphanet 255182, MedGen C1855553, MONDO:0009503, OMIM 245349.

Allele frequency attached by ClinVar (database versions not stated): gnomAD 0.00021 and 0.00043; TOPMed 0.00023; gnomAD exomes 0.00072 and 0.00122; ExAC 0.00125; 1000 Genomes Project 30x 0.00141; 1000 Genomes Project 0.00160.
gnomAD v4.1: 1,111 of 1,613,908 alleles (0.069%); highest among the groups gnomAD compares: South Asian, 0.78%; 9 homozygotes.

Submissions (6):

CeGaT Center for Human Genetics Tuebingen
Classification: Likely benign. Last evaluated: 2026-02-01. Review status: criteria provided, single submitter. Criteria: CeGaT Center For Human Genetics Tuebingen Variant Classification Criteria Version 2. Collection method: clinical testing. Allele origin: germline. Affected: yes. Observed: 4 variant alleles.
Comment: PDHX: BP4, BS2

Labcorp Genetics (formerly Invitae), Labcorp
Classification: Benign. Last evaluated: 2026-01-29. Review status: criteria provided, single submitter. Criteria: Invitae Variant Classification Sherloc (09022015). Collection method: clinical testing. Allele origin: germline.

Blueprint Genetics
Classification: Likely benign. Last evaluated: 2024-11-18. Review status: criteria provided, single submitter. Criteria: ACMG Guidelines, 2015. Collection method: clinical testing. Allele origin: germline.

Illumina Laboratory Services, Illumina
Classification: Likely benign for Pyruvate dehydrogenase E3-binding protein deficiency. Last evaluated: 2018-01-13. Review status: criteria provided, single submitter. Criteria: ICSL Variant Classification Criteria 13 December 2019. Collection method: clinical testing. Allele origin: germline.
Comment: This variant was observed in the ICSL laboratory as part of a predisposition screen in an ostensibly healthy population. It had not been previously curated by ICSL or reported in the Human Gene Mutation Database (HGMD: prior to June 1st, 2018), and was therefore a candidate for classification through an automated scoring system. Utilizing variant allele frequency, disease prevalence and penetrance estimates, and inheritance mode, an automated score was calculated to assess if this variant is too frequent to cause the disease. Based on the score and internal cut-off values, a variant classified as likely benign is not then subjected to further curation. The score for this variant resulted in a classification of likely benign for this disease.

Breakthrough Genomics
Classification: Likely benign. Review status: criteria provided, single submitter. Criteria: ACMG Guidelines, 2015. Collection method: not provided. Allele origin: germline. Inheritance: Autosomal recessive inheritance. Affected: yes.

Mayo Clinic Laboratories, Mayo Clinic
Classification: Uncertain significance. Last evaluated: 2016-02-25. Review status: no assertion criteria provided. Collection method: clinical testing. Allele origin: unknown. Not counted in ClinVar's aggregate classification.